The following is an entry in ClinVar:

ClinVar aggregate classification (germline): Likely benign (1 of 4 stars; one submission).

Allele frequency attached by ClinVar (database versions not stated): gnomAD 0.00319 and 0.00336; gnomAD exomes 0.00032; TOPMed 0.00347; 1000 Genomes Project 30x 0.00453; 1000 Genomes Project 0.00479.

Submission:

GeneDx
Classification: Likely benign. Last evaluated: 2018-06-16. Review status: criteria provided, single submitter. Criteria: GeneDx Variant Classification (06012015). Collection method: clinical testing. Allele origin: germline. Affected: yes.
Comment: This variant is considered likely benign or benign based on one or more of the following criteria: it is a conservative change, it occurs at a poorly conserved position in the protein, it is predicted to be benign by multiple in silico algorithms, and/or has population frequency not consistent with disease.

NM_001130089.1(KARS1):c.-184C>T

Gene: KARS1 (lysyl-tRNA synthetase 1; minus strand). Cytogenetic location: 16q23.1.
Variant type: single nucleotide variant.
Coding change: c.-184C>T on transcript NM_001130089.1; 184 bases upstream of the start codon, C replaced by T.
Genome position (GRCh38, 1-based): chr16:75,647,727, G>A on the plus strand (C>T on the coding strand, the complement: KARS1 is on the minus strand). VCF-style: chr16-75647727-G-A. GRCh37 (hg19) VCF-style: chr16-75681625-G-A.
Identifiers: ClinVar variation 683499 (VCV000683499.3), dbSNP rs150116066, ClinGen allele CA284333891.
Genomic context (GRCh38, chr16:75,647,727, plus strand): 5'-AGGAGGATAGTACGTTAATTTCCAGGTCAAGGTGCGAAGCCCCACCTCTTCCGGGGGAGA[G>A]GGGGCGGGCACTCTCGATGCGCCGCGGCTGCTGCTGCGCAGGCCCAGTGCTGCGCTTCGC-3'